The following is an entry in ClinVar:

NM_016373.4(WWOX):c.708C>G (p.His236Gln)

Gene: WWOX (WW domain containing oxidoreductase; plus strand). Cytogenetic location: 16q23.1.
Variant type: single nucleotide variant.
Coding change: c.708C>G on transcript NM_016373.4 (MANE Select); coding-DNA position 708, C replaced by G.
Protein change: p.His236Gln; replaces histidine 236 with glutamine.
Molecular consequence: missense variant.
Genome position (GRCh38, 1-based): chr16:78,424,972, C>G. VCF-style: chr16-78424972-C-G. GRCh37 (hg19) VCF-style: chr16-78458869-C-G.
Other names: c.369C>G, p.His123Gln (NM_001291997.2); c.708C>G (NM_016373.2); short protein forms H236Q, H123Q.
Identifiers: ClinVar variation 540228 (VCV000540228.10), dbSNP rs745681407, ClinGen allele CA8183424.
Genomic context (GRCh38, chr16:78,424,972, plus strand): 5'-ACCCTGGAGTCTCACCAAAGATGGCCTGGAGACCACCTTTCAAGTGAATCATCTGGGGCA[C>G]TTCTACCTTGTCCAGCTCCTCCAGGATGTTTTGTGCCGCTCAGCTCCTGCCCGTGTCATT-3'
Protein context (NP_057457.1, residues 226-246): ETTFQVNHLG[His236Gln]FYLVQLLQDV

ClinVar aggregate classification (germline): Uncertain significance. Review status: criteria provided, multiple submitters, no conflicts (2 of 4 stars). 4 submissions from 4 submitters: Uncertain significance (4). Last evaluated 2024-03-26.

Conditions:
Developmental and epileptic encephalopathy, 1 (DEE1). Also called: INFANTILE SPASM SYNDROME, X-LINKED 1; OHTAHARA SYNDROME, X-LINKED; X-linked infantile spasms; West's syndrome; Tonic spasms with clustering, arrest of psychomotor development and hypsarrhythmia on EEG; X-Linked Infantile Spasm Syndrome. Identifiers: MedGen C3463992, MONDO:0010632, OMIM 308350. Disease mechanism: loss of function.
Autosomal recessive spinocerebellar ataxia 12. Also called: SPINOCEREBELLAR ATAXIA WITH MENTAL RETARDATION AND EPILEPSY. Identifiers: Orphanet 284282, MedGen C3280452, MONDO:0013687, OMIM 614322.

Allele frequency attached by ClinVar (database versions not stated): gnomAD 0.00001; gnomAD exomes 0.00003; TOPMed 0.00004; ExAC 0.00001.
gnomAD v4.1: 15 of 1,614,048 alleles (0.00093%); highest among the groups gnomAD compares: Admixed American, 0.015%; no homozygotes.

Submissions (4):

GeneDx
Classification: Uncertain significance. Last evaluated: 2024-03-26. Review status: criteria provided, single submitter. Criteria: GeneDx Variant Classification Process June 2021. Collection method: clinical testing. Allele origin: germline. Affected: yes.
Comment: In silico analysis supports that this missense variant has a deleterious effect on protein structure/function; This variant is associated with the following publications: (PMID: 25411445, 34695666)

Labcorp Genetics (formerly Invitae), Labcorp
Classification: Uncertain significance for Developmental and epileptic encephalopathy, 1; Autosomal recessive spinocerebellar ataxia 12. Last evaluated: 2022-08-23. Review status: criteria provided, single submitter. Criteria: Invitae Variant Classification Sherloc (09022015). Collection method: clinical testing. Allele origin: germline.
Comment: This sequence change replaces histidine, which is basic and polar, with glutamine, which is neutral and polar, at codon 236 of the WWOX protein (p.His236Gln). This variant is present in population databases (rs745681407, gnomAD 0.02%). This variant has not been reported in the literature in individuals affected with WWOX-related conditions. ClinVar contains an entry for this variant (Variation ID: 540228). Algorithms developed to predict the effect of missense changes on protein structure and function are either unavailable or do not agree on the potential impact of this missense change (SIFT: "Not Available"; PolyPhen-2: "Possibly Damaging"; Align-GVGD: "Not Available"). Algorithms developed to predict the effect of sequence changes on RNA splicing suggest that this variant may create or strengthen a splice site. In summary, the available evidence is currently insufficient to determine the role of this variant in disease. Therefore, it has been classified as a Variant of Uncertain Significance.

Revvity Omics, Revvity
Classification: Uncertain significance. Last evaluated: 2021-11-24. Review status: criteria provided, single submitter. Criteria: ACMG Guidelines, 2015. Collection method: clinical testing. Allele origin: germline.

Breakthrough Genomics
Classification: Uncertain significance. Review status: criteria provided, single submitter. Criteria: ACMG Guidelines, 2015. Collection method: not provided. Allele origin: germline. Inheritance: Autosomal recessive inheritance. Affected: yes.